The following is an entry in ClinVar:

NM_002528.7(NTHL1):c.557C>T (p.Ala186Val)

Gene: NTHL1 (nth like DNA glycosylase 1; minus strand). Cytogenetic location: 16p13.3.
Variant type: single nucleotide variant.
Coding change: c.557C>T on transcript NM_002528.7 (MANE Select); coding-DNA position 557, C replaced by T.
Protein change: p.Ala186Val; replaces alanine 186 with valine.
Molecular consequence: missense variant.
Genome position (GRCh38, 1-based): chr16:2,043,695, G>A on the plus strand (C>T on the coding strand, the complement: NTHL1 is on the minus strand). VCF-style: chr16-2043695-G-A. GRCh37 (hg19) VCF-style: chr16-2093696-G-A.
Other names: c.386C>T, p.Ala129Val (NM_001318193.2); c.227C>T, p.Ala76Val (NM_001318194.2); short protein forms A129V, A186V, A76V.
Identifiers: ClinVar variation 4861236 (VCV004861236.1).
Genomic context (GRCh38, chr16:2,043,695, plus strand): 5'-AGCGCCACCAGCTCGGCCACAGAGGCTGGGATGTCCCCACCGTAGTGCTGCTGCAGGATG[G>A]CGCTGGTCTGCTTGATGTATTTCACCTTGCTCTGAAAGACAGGGGTGGGTTCAGCCTTGG-3'
Protein context (NP_002519.2, residues 176-196): SKVKYIKQTS[Ala186Val]ILQQHYGGDI

ClinVar aggregate classification (germline): Uncertain significance (1 of 4 stars; one submission).

Conditions:
Hereditary cancer-predisposing syndrome. Also called: Neoplastic Syndromes, Hereditary; Tumor predisposition; Hereditary Cancer Syndrome; Hereditary neoplastic syndrome. Identifiers: Orphanet 140162, MedGen C0027672, MeSH D009386, MONDO:0015356.

Submission:

Ambry Genetics
Classification: Uncertain significance for Hereditary cancer-predisposing syndrome. Last evaluated: 2026-05-26. Review status: criteria provided, single submitter. Criteria: Ambry Variant Classification Scheme 2023. Collection method: clinical testing. Allele origin: germline.
Comment: The p.A194V variant (also known as c.581C>T), located in coding exon 4 of the NTHL1 gene, results from a C to T substitution at nucleotide position 581. The alanine at codon 194 is replaced by valine, an amino acid with similar properties. This amino acid position is not well conserved in available vertebrate species. In addition, the in silico prediction for this alteration is inconclusive. Based on the available evidence, the clinical significance of this variant remains unclear.